The following is an entry in ClinVar:

ClinVar aggregate classification (germline): Benign. Review status: criteria provided, multiple submitters, no conflicts (2 of 4 stars). 5 submissions from 5 submitters: Benign (4). 1 of the submissions does not count toward it. Last evaluated 2022-04-26.

Conditions:
PLIN1-related familial partial lipodystrophy. Also called: LIPODYSTROPHY, FAMILIAL PARTIAL, ASSOCIATED WITH PLIN1 MUTATIONS. Identifiers: Orphanet 280356, MedGen C5191005, MONDO:0013478, OMIM 613877.

Allele frequency attached by ClinVar (database versions not stated): gnomAD 0.37380 and 0.37822; TOPMed 0.37537; gnomAD exomes 0.37717 and 0.37866; ExAC 0.37966; ESP Exome Variant Server 0.38106; 1000 Genomes Project 30x 0.39522; 1000 Genomes Project 0.39637.
gnomAD v4.1: 609,128 of 1,613,576 alleles (38%); highest among the groups gnomAD compares: South Asian, 52%; 116,802 homozygotes.

Submissions (5):

Mayo Clinic Laboratories, Mayo Clinic
Classification: Benign. Last evaluated: 2022-04-26. Review status: criteria provided, single submitter. Criteria: ACMG Guidelines, 2015. Collection method: clinical testing. Allele origin: germline. Observed: 32 variant alleles.

Genome-Nilou Lab
Classification: Benign for PLIN1-related familial partial lipodystrophy. Last evaluated: 2021-10-25. Review status: criteria provided, single submitter. Criteria: ACMG Guidelines, 2015. Collection method: clinical testing. Allele origin: germline. Affected: no.

GeneDx
Classification: Benign. Last evaluated: 2018-11-12. Review status: criteria provided, single submitter. Criteria: GeneDx Variant Classification Process June 2021. Collection method: clinical testing. Allele origin: germline. Affected: yes.

Breakthrough Genomics
Classification: Benign. Review status: criteria provided, single submitter. Criteria: ACMG Guidelines, 2015. Collection method: not provided. Allele origin: germline. Inheritance: Autosomal dominant inheritance. Affected: yes.

Genetic Services Laboratory, University of Chicago
Classification: Likely benign for AllHighlyPenetrant. Review status: no assertion criteria provided. Collection method: clinical testing. Allele origin: germline. Inheritance: Autosomal dominant inheritance. Not counted in ClinVar's aggregate classification.
Comment: Likely benign based on allele frequency in 1000 Genomes Project or ESP global frequency and its presence in a patient with a rare or unrelated disease phenotype. NOT Sanger confirmed.

NM_002666.5(PLIN1):c.1113T>C (p.Pro371=)

Gene: PLIN1 (perilipin 1; minus strand). Cytogenetic location: 15q26.1.
Variant type: single nucleotide variant.
Coding change: c.1113T>C on transcript NM_002666.5 (MANE Select); coding-DNA position 1113, T replaced by C.
Protein change: p.Pro371=; no amino-acid change (proline 371 retained).
Molecular consequence: synonymous variant.
Genome position (GRCh38, 1-based): chr15:89,667,032, A>G on the plus strand (T>C on the coding strand, the complement: PLIN1 is on the minus strand). VCF-style: chr15-89667032-A-G. GRCh37 (hg19) VCF-style: chr15-90210263-A-G.
Other names: p.Pro371=; c.1113T>C, p.Pro371= (NM_001145311.2).
Identifiers: ClinVar variation 129970 (VCV000129970.11), dbSNP rs2304795, ClinGen allele CA154696.